The following is an entry in ClinVar:

ClinVar aggregate classification (germline): Pathogenic (1 of 4 stars; one submission).

Submission:

Labcorp Genetics (formerly Invitae), Labcorp
Classification: Pathogenic. Last evaluated: 2018-08-01. Review status: criteria provided, single submitter. Criteria: Invitae Variant Classification Sherloc (09022015). Collection method: clinical testing. Allele origin: germline.
Comment: This sequence change creates a premature translational stop signal (p.Leu124Alafs*4) in the UBE2T gene. It is expected to result in an absent or disrupted protein product. This variant is present in population databases (rs769303670, ExAC 0.02%). This variant has not been reported in the literature in individuals with UBE2T-related disease. Loss-of-function variants in UBE2T are known to be pathogenic (PMID: 26046368, 26119737). For these reasons, this variant has been classified as Pathogenic.

Literature cited by the submitters: PubMed 26046368; PubMed 26119737.

NM_014176.4(UBE2T):c.368dup (p.Leu124fs)

Gene: UBE2T (ubiquitin conjugating enzyme E2 T; minus strand). Cytogenetic location: 1q32.1.
Variant type: Duplication.
Coding change: c.368dup on transcript NM_014176.4 (MANE Select); coding-DNA position 368, one base duplicated (C; older notation c.368dupC).
Protein change: p.Leu124fs; shifts the reading frame from leucine 124.
Molecular consequence: frameshift variant.
Genome position (GRCh38, 1-based): chr1:202,333,253, G duplicated on the plus strand (C on the coding strand, the reverse complement: UBE2T is on the minus strand); the first of 3 consecutive G bases (chr1:202,333,253-202,333,255); duplicating any one gives the same sequence. VCF-style (leftmost placement, unchanged base first): chr1-202333252-C-CG. GRCh37 (hg19) VCF-style: chr1-202302380-C-CG.
Other names: c.278dup, p.Leu94fs (NM_001310326.2); short protein forms L124fs, L94fs.
Identifiers: ClinVar variation 1076158 (VCV001076158.4), dbSNP rs769303670, ClinGen allele CA1332373.